The following is an entry in ClinVar:

ClinVar aggregate classification (germline): Uncertain significance (1 of 4 stars; one submission).

Conditions:
SEMA3B-related disorder. Also called: SEMA3B-related condition.

Submission:

PreventionGenetics, part of Exact Sciences
Classification: Uncertain significance for SEMA3B-related condition. Last evaluated: 2025-09-02. Review status: criteria provided, single submitter. Criteria: ACMG Guidelines, 2015. Collection method: clinical testing. Allele origin: germline.
Comment: The SEMA3B c.2237G>T variant is predicted to result in the amino acid substitution p.Arg746Leu. To our knowledge, this variant has not been reported in the literature. This variant is reported in 0.0082% of alleles in individuals of European (non-Finnish) descent in gnomAD. At this time, the clinical significance of this variant is uncertain due to the absence of conclusive functional and genetic evidence.

NM_001290060.2(SEMA3B):c.2222G>T (p.Arg741Leu)

Gene: SEMA3B (semaphorin 3B; plus strand). Cytogenetic location: 3p21.31.
Variant type: single nucleotide variant.
Coding change: c.2222G>T on transcript NM_001290060.2 (MANE Select); coding-DNA position 2222, G replaced by T.
Protein change: p.Arg741Leu; replaces arginine 741 with leucine.
Molecular consequence: missense variant. On other transcripts: non-coding transcript variant (1).
Genome position (GRCh38, 1-based): chr3:50,276,678, G>T. VCF-style: chr3-50276678-G-T. GRCh37 (hg19) VCF-style: chr3-50314109-G-T.
Other names: c.2219G>T, p.Arg740Leu (NM_001005914.3); c.2237G>T, p.Arg746Leu (NM_001290061.1); c.1193G>T, p.Arg398Leu (NM_001290062.2, NM_001290063.2); c.2222G>T, p.Arg741Leu (NM_004636.4); short protein forms R398L, R740L, R741L, R746L.
Identifiers: ClinVar variation 3351987 (VCV003351987.2).
Genomic context (GRCh38, chr3:50,276,678, plus strand): 5'-TGGAGTCGCGGAGAAAGGGCCGTAACCGGAGGACCCACGCCCCTGAGCCTCGCGCTGAGC[G>T]GGGGCCGCGCAGCGCAACGCACTGGTGACCAGACTGTCCCCACGCCGGGAACCAAGCAGG-3'
Protein context (NP_001276989.1, residues 731-749): RTHAPEPRAE[Arg741Leu]GPRSATHW